The following is an entry in ClinVar:

NM_001042492.3(NF1):c.2201del (p.Asn734fs)

Gene: NF1 (neurofibromin 1; plus strand). Cytogenetic location: 17q11.2.
Variant type: Deletion.
Coding change: c.2201del on transcript NM_001042492.3 (MANE Select); coding-DNA position 2201, one base deleted (A; older notation c.2201delA).
Protein change: p.Asn734fs; shifts the reading frame from asparagine 734.
Molecular consequence: frameshift variant.
Genome position (GRCh38, 1-based): chr17:31,226,634, A deleted; the last of 2 consecutive A bases (chr17:31,226,633-31,226,634); deleting either gives the same sequence. VCF-style (leftmost placement, unchanged base first): chr17-31226632-CA-C. GRCh37 (hg19) VCF-style: chr17-29553650-CA-C.
Other names: c.2201del, p.Asn734fs (NM_000267.4); short protein forms N734fs.
Identifiers: ClinVar variation 4763884 (VCV004763884.1).

ClinVar aggregate classification (germline): Pathogenic (1 of 4 stars; one submission).

Conditions:
Neurofibromatosis, type 1 (NF1). Also called: VON RECKLINGHAUSEN DISEASE; Neurofibromatosis, type I; NEUROFIBROMATOSIS, TYPE I, SOMATIC; Peripheral type neurofibromatosis. Identifiers: Orphanet 636, MedGen C0027831, MONDO:0018975, OMIM 162200. Disease mechanism: loss of function.

Submission:

Labcorp Genetics (formerly Invitae), Labcorp
Classification: Pathogenic for Neurofibromatosis, type 1. Last evaluated: 2025-06-24. Review status: criteria provided, single submitter. Criteria: Invitae Variant Classification Sherloc (09022015). Collection method: clinical testing. Allele origin: germline.
Comment: This sequence change creates a premature translational stop signal (p.Asn734Thrfs*14) in the NF1 gene. It is expected to result in an absent or disrupted protein product. Loss-of-function variants in NF1 are known to be pathogenic (PMID: 10712197, 23913538). This variant is not present in population databases (gnomAD no frequency). This premature translational stop signal has been observed in individual(s) with neurofibromatosis type 1 (PMID: 33443663). Algorithms developed to predict the effect of sequence changes on RNA splicing suggest that this variant may disrupt the consensus splice site. For these reasons, this variant has been classified as Pathogenic.

Literature cited by the submitters: PubMed 10712197; PubMed 23913538; PubMed 33443663.